The following is an entry in ClinVar:

NM_001379659.1(ZNF142):c.2752A>G (p.Thr918Ala)

Gene: ZNF142 (zinc finger protein 142; minus strand). Cytogenetic location: 2q35.
Variant type: single nucleotide variant.
Coding change: c.2752A>G on transcript NM_001379659.1 (MANE Select); coding-DNA position 2752, A replaced by G.
Protein change: p.Thr918Ala; replaces threonine 918 with alanine.
Molecular consequence: missense variant.
Genome position (GRCh38, 1-based): chr2:218,644,364, T>C on the plus strand (A>G on the coding strand, the complement: ZNF142 is on the minus strand). VCF-style: chr2-218644364-T-C. GRCh37 (hg19) VCF-style: chr2-219509087-T-C.
Other names: c.2152A>G, p.Thr718Ala (NM_001105537.5, NM_001366291.3, NM_001379662.1); c.1663A>G, p.Thr555Ala (NM_001366287.3, NM_001366288.3, NM_001366289.3); c.2752A>G, p.Thr918Ala (NM_001366290.3, NM_001379660.1, NM_001379661.1); short protein forms T555A, T718A, T918A.
Identifiers: ClinVar variation 3369767 (VCV003369767.1).

ClinVar aggregate classification (germline): Uncertain significance (1 of 4 stars; one submission).

gnomAD v4.1: 3 of 1,613,962 alleles (0.00019%); highest among the groups gnomAD compares: African/African-American, 0.004%; no homozygotes.

Submission:

GeneDx
Classification: Uncertain significance. Last evaluated: 2024-02-27. Review status: criteria provided, single submitter. Criteria: GeneDx Variant Classification Process June 2021. Collection method: clinical testing. Allele origin: germline. Affected: yes.
Comment: In silico analysis supports that this missense variant does not alter protein structure/function; Has not been previously published as pathogenic or benign to our knowledge